The following is an entry in ClinVar:

NM_001130438.3(SPTAN1):c.2666C>G (p.Ser889Cys)

Gene: SPTAN1 (spectrin alpha, non-erythrocytic 1; plus strand). Cytogenetic location: 9q34.11.
Variant type: single nucleotide variant.
Coding change: c.2666C>G on transcript NM_001130438.3 (MANE Select); coding-DNA position 2666, C replaced by G.
Protein change: p.Ser889Cys; replaces serine 889 with cysteine.
Molecular consequence: missense variant.
Genome position (GRCh38, 1-based): chr9:128,585,853, C>G. VCF-style: chr9-128585853-C-G. GRCh37 (hg19) VCF-style: chr9-131348132-C-G.
Other names: c.2666C>G, p.Ser889Cys (NM_001195532.2, NM_001363759.2, NM_001363765.2 and 1 more transcripts); short protein forms S889C.
Identifiers: ClinVar variation 287557 (VCV000287557.15), dbSNP rs886043660, ClinGen allele CA10605794.

ClinVar aggregate classification (germline): Uncertain significance. Review status: criteria provided, multiple submitters, no conflicts (2 of 4 stars). 3 submissions from 3 submitters: Uncertain significance (3). Last evaluated 2021-10-27.

Conditions:
Early-infantile DEE. Also called: Early infantile epileptic encephalopathy with suppression bursts; Ohtahara syndrome; Early infantile epileptic encephalopathy. Identifiers: Orphanet 1934, MedGen C0393706, MONDO:0800491.
Developmental and epileptic encephalopathy, 5 (DEE5). Identifiers: Orphanet 3451, MedGen C3150731, MONDO:0013277, OMIM 613477.

Submissions (3):

Labcorp Genetics (formerly Invitae), Labcorp
Classification: Uncertain significance for Early-infantile DEE. Last evaluated: 2021-10-27. Review status: criteria provided, single submitter. Criteria: Invitae Variant Classification Sherloc (09022015). Collection method: clinical testing. Allele origin: germline.
Comment: In summary, the available evidence is currently insufficient to determine the role of this variant in disease. Therefore, it has been classified as a Variant of Uncertain Significance. Algorithms developed to predict the effect of missense changes on protein structure and function (SIFT, PolyPhen-2, Align-GVGD) all suggest that this variant is likely to be disruptive. ClinVar contains an entry for this variant (Variation ID: 287557). This variant has not been reported in the literature in individuals affected with SPTAN1-related conditions. This variant is not present in population databases (gnomAD no frequency). This sequence change replaces serine, a(n) neutral and polar amino acid, with cysteine, a(n) neutral and slightly polar amino acid, at codon 889 of the SPTAN1 protein (p.Ser889Cys).

Genome-Nilou Lab
Classification: Uncertain significance for Developmental and epileptic encephalopathy, 5. Last evaluated: 2021-07-15. Review status: criteria provided, single submitter. Criteria: ACMG Guidelines, 2015. Collection method: clinical testing. Allele origin: germline. Affected: no.

Eurofins Ntd Llc (ga)
Classification: Uncertain significance. Last evaluated: 2016-06-10. Review status: criteria provided, single submitter. Criteria: EGL Classification Definitions 2015. Collection method: clinical testing. Allele origin: germline. Observed: 1 variant allele, 1 heterozygote.